The following is an entry in ClinVar:

NM_004700.4(KCNQ4):c.1875+3G>T

Gene: KCNQ4 (potassium voltage-gated channel subfamily Q member 4; plus strand). Cytogenetic location: 1p34.2.
Variant type: single nucleotide variant.
Coding change: c.1875+3G>T on transcript NM_004700.4 (MANE Select); 3 bases into the intron after coding-DNA position 1875, G replaced by T.
Molecular consequence: intron variant.
Genome position (GRCh38, 1-based): chr1:40,837,797, G>T. VCF-style: chr1-40837797-G-T. GRCh37 (hg19) VCF-style: chr1-41303469-G-T.
Other names: c.1713+3G>T (NM_172163.3).
Identifiers: ClinVar variation 2715414 (VCV002715414.3), dbSNP rs770318252, ClinGen allele CA795019.

ClinVar aggregate classification (germline): Uncertain significance (1 of 4 stars; one submission).

Allele frequency attached by ClinVar (database versions not stated): ExAC 0.00001; gnomAD exomes 0.00001; gnomAD 0.00007; TOPMed 0.00014.
gnomAD v4.1: 26 of 1,606,504 alleles (0.0016%); highest among the groups gnomAD compares: African/African-American, 0.024%; 1 homozygote.

Submission:

Labcorp Genetics (formerly Invitae), Labcorp
Classification: Uncertain significance. Last evaluated: 2025-02-25. Review status: criteria provided, single submitter. Criteria: Invitae Variant Classification Sherloc (09022015). Collection method: clinical testing. Allele origin: germline.
Comment: This sequence change falls in intron 13 of the KCNQ4 gene. It does not directly change the encoded amino acid sequence of the KCNQ4 protein. It affects a nucleotide within the consensus splice site. The frequency data for this variant in the population databases is considered unreliable, as metrics indicate poor data quality at this position in the gnomAD database. This variant has not been reported in the literature in individuals affected with KCNQ4-related conditions. ClinVar contains an entry for this variant (Variation ID: 2715414). Variants that disrupt the consensus splice site are a relatively common cause of aberrant splicing (PMID: 17576681, 9536098). Algorithms developed to predict the effect of sequence changes on RNA splicing suggest that this variant is not likely to affect RNA splicing. In summary, the available evidence is currently insufficient to determine the role of this variant in disease. Therefore, it has been classified as a Variant of Uncertain Significance.

Literature cited by the submitters: PubMed 17576681; PubMed 9536098.